The following is an entry in ClinVar:

ClinVar aggregate classification (germline): Uncertain significance (1 of 4 stars; one submission).

Conditions:
Hereditary cancer-predisposing syndrome. Also called: Neoplastic Syndromes, Hereditary; Hereditary Cancer Syndrome; Hereditary neoplastic syndrome; Tumor predisposition. Identifiers: Orphanet 140162, MedGen C0027672, MeSH D009386, MONDO:0015356.

Submission:

Ambry Genetics
Classification: Uncertain significance for Hereditary cancer-predisposing syndrome. Last evaluated: 2023-04-13. Review status: criteria provided, single submitter. Criteria: Ambry Variant Classification Scheme 2023. Collection method: clinical testing. Allele origin: germline.
Comment: The p.F1077V variant (also known as c.3229T>G), located in coding exon 21 of the ATM gene, results from a T to G substitution at nucleotide position 3229. The phenylalanine at codon 1077 is replaced by valine, an amino acid with highly similar properties. This variant was not reported in population based cohorts in the following databases: Database of Single Nucleotide Polymorphisms (dbSNP), NHLBI Exome Sequencing Project (ESP), and 1000 Genomes Project. In the ESP, this variant was not observed in 6499 samples (12998 alleles) with coverage at this position. To date, this alteration has been detected with an allele frequency of approximately 0.001% (greater than 180000 alleles tested) in our clinical cohort. This amino acid position is highly conserved in available vertebrate species. In addition, this alteration is predicted to be deleterious by in silico analysis. Since supporting evidence is limited at this time, the clinical significance of this alteration remains unclear.

NM_000051.4(ATM):c.3229T>G (p.Phe1077Val)

Gene: ATM (ATM serine/threonine kinase; plus strand). Cytogenetic location: 11q22.3.
Variant type: single nucleotide variant.
Coding change: c.3229T>G on transcript NM_000051.4 (MANE Select); coding-DNA position 3229, T replaced by G.
Protein change: p.Phe1077Val; replaces phenylalanine 1077 with valine.
Molecular consequence: missense variant.
Genome position (GRCh38, 1-based): chr11:108,272,797, T>G. VCF-style: chr11-108272797-T-G. GRCh37 (hg19) VCF-style: chr11-108143524-T-G.
Other names: c.3229T>G, p.Phe1077Val (NM_001351834.2); short protein forms F1077V.
Identifiers: ClinVar variation 479005 (VCV000479005.6), dbSNP rs1555086111, ClinGen allele CA382515921.
Genomic context (GRCh38, chr11:108,272,797, plus strand): 5'-AAATGGGCCATTCTTAATGTAATGGGAAAAGACTTTCCTGTAAATGAAGTATTTACACAA[T>G]TTCTTGCTGACAATCATCACCAAGTTCGCATGTTGGCTGCAGAGTCAATCAATAGGTAAT-3'
Protein context (NP_000042.3, residues 1067-1087): DFPVNEVFTQ[Phe1077Val]LADNHHQVRM